The following is an entry in ClinVar:

ClinVar aggregate classification (germline): Uncertain significance (1 of 4 stars; one submission).

Conditions:
ABL1-related disorder. Also called: ABL1-related condition.

Allele frequency attached by ClinVar (database versions not stated): gnomAD exomes below 0.00001.
gnomAD v4.1: 2 of 1,610,714 alleles (0.00012%); highest among the groups gnomAD compares: Non-Finnish European, 0.00017%; no homozygotes.

Submission:

PreventionGenetics, part of Exact Sciences
Classification: Uncertain significance for ABL1-related condition. Last evaluated: 2026-09-20. Review status: criteria provided, single submitter. Criteria: ACMG Guidelines, 2015. Collection method: clinical testing. Allele origin: germline.
Comment: The ABL1 c.2671G>A variant is predicted to result in the amino acid substitution p.Glu891Lys. To our knowledge, this variant has not been reported in the literature or in a large population database (gnomAD), indicating this variant is rare. At this time, the clinical significance of this variant is uncertain due to the absence of conclusive functional and genetic evidence.

NM_005157.6(ABL1):c.2614G>A (p.Glu872Lys)

Gene: ABL1 (ABL proto-oncogene 1, non-receptor tyrosine kinase; plus strand). Cytogenetic location: 9q34.12.
Variant type: single nucleotide variant.
Coding change: c.2614G>A on transcript NM_005157.6 (MANE Select); coding-DNA position 2614, G replaced by A.
Protein change: p.Glu872Lys; replaces glutamic acid 872 with lysine.
Molecular consequence: missense variant.
Genome position (GRCh38, 1-based): chr9:130,884,904, G>A. VCF-style: chr9-130884904-G-A. GRCh37 (hg19) VCF-style: chr9-133760291-G-A.
Other names: c.2671G>A, p.Glu891Lys (NM_007313.3); short protein forms E872K, E891K.
Identifiers: ClinVar variation 2633134 (VCV002633134.2), dbSNP rs1052791280, ClinGen allele CA200652098.